The following is an entry in ClinVar:

NM_001386140.1(MTTP):c.2357T>C (p.Ile786Thr)

Gene: MTTP (microsomal triglyceride transfer protein; plus strand). Cytogenetic location: 4q23.
Variant type: single nucleotide variant.
Coding change: c.2357T>C on transcript NM_001386140.1 (MANE Select); coding-DNA position 2357, T replaced by C.
Protein change: p.Ile786Thr; replaces isoleucine 786 with threonine.
Molecular consequence: missense variant.
Genome position (GRCh38, 1-based): chr4:99,621,075, T>C. VCF-style: chr4-99621075-T-C. GRCh37 (hg19) VCF-style: chr4-100542232-T-C.
Other names: c.2357T>C, p.Ile786Thr (NM_000253.4); c.2108T>C, p.Ile703Thr (NM_001300785.2); short protein forms I786T, I703T.
Identifiers: ClinVar variation 1450780 (VCV001450780.3), dbSNP rs1478588886, ClinGen allele CA357519384.

ClinVar aggregate classification (germline): Uncertain significance (1 of 4 stars; one submission).

Allele frequency attached by ClinVar (database versions not stated): gnomAD exomes below 0.00001 and 0.00001; TOPMed 0.00001; gnomAD 0.00002.
gnomAD v4.1: 6 of 1,613,968 alleles (0.00037%); highest among the groups gnomAD compares: Non-Finnish European, 0.00051%; no homozygotes.

Submission:

Labcorp Genetics (formerly Invitae), Labcorp
Classification: Uncertain significance. Last evaluated: 2021-09-30. Review status: criteria provided, single submitter. Criteria: Invitae Variant Classification Sherloc (09022015). Collection method: clinical testing. Allele origin: germline.
Comment: This sequence change replaces isoleucine with threonine at codon 786 of the MTTP protein (p.Ile786Thr). The isoleucine residue is moderately conserved and there is a moderate physicochemical difference between isoleucine and threonine. This variant is not present in population databases (ExAC no frequency). This variant has not been reported in the literature in individuals affected with MTTP-related conditions. Algorithms developed to predict the effect of missense changes on protein structure and function are either unavailable or do not agree on the potential impact of this missense change (SIFT: "Deleterious"; PolyPhen-2: "Benign"; Align-GVGD: "Class C0"). In summary, the available evidence is currently insufficient to determine the role of this variant in disease. Therefore, it has been classified as a Variant of Uncertain Significance.